The following is an entry in ClinVar:

ClinVar aggregate classification (germline): Uncertain significance (1 of 4 stars; one submission).

Allele frequency attached by ClinVar (database versions not stated): gnomAD exomes below 0.00001; TOPMed below 0.00001.
gnomAD v4.1: 3 of 1,613,882 alleles (0.00019%); highest among the groups gnomAD compares: Non-Finnish European, 0.00025%; no homozygotes.

Submission:

Labcorp Genetics (formerly Invitae), Labcorp
Classification: Uncertain significance. Last evaluated: 2023-12-03. Review status: criteria provided, single submitter. Criteria: Invitae Variant Classification Sherloc (09022015). Collection method: clinical testing. Allele origin: germline.
Comment: This sequence change falls in intron 6 of the POP1 gene. It does not directly change the encoded amino acid sequence of the POP1 protein. This variant is not present in population databases (gnomAD no frequency). This variant has not been reported in the literature in individuals affected with POP1-related conditions. Algorithms developed to predict the effect of sequence changes on RNA splicing suggest that this variant may disrupt the consensus splice site. In summary, the available evidence is currently insufficient to determine the role of this variant in disease. Therefore, it has been classified as a Variant of Uncertain Significance.

NM_001145860.2(POP1):c.824-12T>C

Gene: POP1 (POP1 ribonuclease P/MRP subunit; plus strand). Cytogenetic location: 8q22.2.
Variant type: single nucleotide variant.
Coding change: c.824-12T>C on transcript NM_001145860.2 (MANE Select); 12 bases into the intron before coding-DNA position 824, T replaced by C.
Molecular consequence: intron variant.
Genome position (GRCh38, 1-based): chr8:98,134,460, T>C. VCF-style: chr8-98134460-T-C. GRCh37 (hg19) VCF-style: chr8-99146688-T-C.
Other names: c.824-12T>C (NM_001145861.2, NM_015029.3).
Identifiers: ClinVar variation 2881049 (VCV002881049.3), dbSNP rs1816472081, ClinGen allele CA1805100237.